The following is an entry in ClinVar:

ClinVar aggregate classification (germline): Uncertain significance. Review status: criteria provided, multiple submitters, no conflicts (2 of 4 stars). 5 submissions from 5 submitters: Uncertain significance (5). Last evaluated 2026-06-16.

Conditions:
NEXN-related disorder. Also called: NEXN-related disorders; NEXN-related condition.
Cardiovascular phenotype. Identifiers: MedGen CN230736.
Hypertrophic cardiomyopathy 20. Identifiers: MedGen C3151267, MONDO:0013477, OMIM 613876.
Dilated cardiomyopathy 1CC (CMD1CC). Identifiers: Orphanet 154, MedGen C2751084, MONDO:0013147, OMIM 613122.

Allele frequency attached by ClinVar (database versions not stated): gnomAD exomes below 0.00001 and 0.00001; TOPMed below 0.00001; ExAC 0.00001.
gnomAD v4.1: 11 of 1,598,724 alleles (0.00069%); highest among the groups gnomAD compares: Non-Finnish European, 0.00094%; no homozygotes.

Submissions (5):

PreventionGenetics, part of Exact Sciences
Classification: Uncertain significance for NEXN-related condition. Last evaluated: 2026-06-16. Review status: criteria provided, single submitter. Criteria: ACMG Guidelines, 2015. Collection method: clinical testing. Allele origin: germline.
Comment: The NEXN c.1073C>T variant is predicted to result in the amino acid substitution p.Pro358Leu. To our knowledge, this variant has not been reported in the literature. This variant is reported in 0.00089% of alleles in individuals of European (Non-Finnish) descent in gnomAD. At this time, the clinical significance of this variant is uncertain due to the absence of conclusive functional and genetic evidence.

Labcorp Genetics (formerly Invitae), Labcorp
Classification: Uncertain significance for Dilated cardiomyopathy 1CC; Hypertrophic cardiomyopathy 20. Last evaluated: 2026-01-06. Review status: criteria provided, single submitter. Criteria: Invitae Variant Classification Sherloc (09022015). Collection method: clinical testing. Allele origin: germline.
Comment: This sequence change replaces proline, which is neutral and non-polar, with leucine, which is neutral and non-polar, at codon 358 of the NEXN protein (p.Pro358Leu). This variant is present in population databases (rs755252743, gnomAD 0.0009%). This variant has not been reported in the literature in individuals affected with NEXN-related conditions. ClinVar contains an entry for this variant (Variation ID: 978349). Invitae Evidence Modeling of protein sequence and biophysical properties (such as structural, functional, and spatial information, amino acid conservation, physicochemical variation, residue mobility, and thermodynamic stability) indicates that this missense variant is not expected to disrupt NEXN protein function with a negative predictive value of 80%. In summary, the available evidence is currently insufficient to determine the role of this variant in disease. Therefore, it has been classified as a Variant of Uncertain Significance.

Molecular Diagnostic Laboratory for Inherited Cardiovascular Disease, Montreal Heart Institute
Classification: Uncertain significance for Cardiovascular phenotype. Last evaluated: 2025-07-24. Review status: criteria provided, single submitter. Criteria: ACMG Guidelines, 2015. Collection method: clinical testing. Allele origin: germline. Affected: yes.
Comment: PM2, PS4_supp, BP4

Ambry Genetics
Classification: Uncertain significance for Cardiovascular phenotype. Last evaluated: 2023-12-27. Review status: criteria provided, single submitter. Criteria: Ambry Variant Classification Scheme 2023. Collection method: clinical testing. Allele origin: germline.

GeneDx
Classification: Uncertain significance. Last evaluated: 2023-10-12. Review status: criteria provided, single submitter. Criteria: GeneDx Variant Classification Process June 2021. Collection method: clinical testing. Allele origin: germline. Affected: yes.
Comment: Has not been previously published as pathogenic or benign to our knowledge; Not observed at significant frequency in large population cohorts (gnomAD); In silico analysis supports that this missense variant does not alter protein structure/function

NM_144573.4(NEXN):c.1073C>T (p.Pro358Leu)

Gene: NEXN (nexilin F-actin binding protein; plus strand). Cytogenetic location: 1p31.1.
Variant type: single nucleotide variant.
Coding change: c.1073C>T on transcript NM_144573.4 (MANE Select); coding-DNA position 1073, C replaced by T.
Protein change: p.Pro358Leu; replaces proline 358 with leucine.
Molecular consequence: missense variant.
Genome position (GRCh38, 1-based): chr1:77,933,301, C>T. VCF-style: chr1-77933301-C-T. GRCh37 (hg19) VCF-style: chr1-78398986-C-T.
Other names: c.881C>T, p.Pro294Leu (NM_001172309.2); short protein forms P294L, P358L.
Identifiers: ClinVar variation 978349 (VCV000978349.16), dbSNP rs755252743, ClinGen allele CA918801.
Genomic context (GRCh38, chr1:77,933,301, plus strand): 5'-TGTAATTCTGGCCAGAGTGATAAAATAATTATTTTAAATAGGTAGTAGATGATGACTCCC[C>T]AGAGATGTATAAGACAATCTCTCAAGAATTTCTTACACCGGGAAAACTGGAAATTAATTT-3'
Protein context (NP_653174.3, residues 348-368): RRNMVVDDDS[Pro358Leu]EMYKTISQEF